The following is an entry in ClinVar:

ClinVar aggregate classification (germline): Pathogenic (1 of 4 stars; one submission).

Conditions:
Wiedemann-Steiner syndrome (WDSTS). Also called: Growth deficiency and mental retardation with facial dysmorphism. Identifiers: Orphanet 319182, MedGen C1854630, MONDO:0011518, OMIM 605130.

Submission:

Victorian Clinical Genetics Services, Murdoch Childrens Research Institute
Classification: Pathogenic for Wiedemann-Steiner syndrome. Last evaluated: 2019-08-28. Review status: criteria provided, single submitter. Criteria: ACMG Guidelines, 2015. Collection method: clinical testing. Allele origin: germline. Inheritance: Autosomal dominant inheritance.
Comment: A heterozygous deletion variant was identified, NM_001197104.1(KMT2A):c.5656_5657del in exon 20 of 36 of the KMT2A gene. This deletion is predicted to cause a frameshift from amino acid position 1886 introducing a stop codon two residues downstream, NP_001184033.1(KMT2A):p.(Ser1886Cysfs*2). This variant is predicted to result in loss of normal protein function through nonsense-mediated decay (NMD). The variant is not present in the gnomAD population database and has not been previously observed in clinical cases. Multiple variants predicted to cause NMD have been reported as pathogenic in individuals with autosomal dominant Wiedemann-Steiner syndrome (ClinVar). Based on information available at the time of curation, this variant has been classified as PATHOGENIC.

NM_001197104.2(KMT2A):c.5656_5657del (p.Ser1886fs)

Gene: KMT2A (lysine methyltransferase 2A; plus strand). Cytogenetic location: 11q23.3.
Variant type: Deletion.
Coding change: c.5656_5657del on transcript NM_001197104.2 (MANE Select); coding-DNA positions 5656 to 5657, 2 bases deleted (AG; older notation c.5656_5657delAG).
Protein change: p.Ser1886fs; shifts the reading frame from serine 1886.
Molecular consequence: frameshift variant.
Genome position (GRCh38, 1-based): chr11:118,496,359-118,496,360, AG deleted. VCF-style (leftmost placement, unchanged base first): chr11-118496358-CAG-C. GRCh37 (hg19) VCF-style: chr11-118367073-CAG-C.
Other names: c.5746_5747delAG, p.Ser1916Cysfs (NM_001412597.1); c.5647_5648del, p.Ser1883fs (NM_005933.4); short protein forms S1883fs, S1886fs.
Identifiers: ClinVar variation 1805354 (VCV001805354.1), dbSNP rs2496948166, ClinGen allele CA913203530.